The following is an entry in ClinVar:

NM_024537.4(CARS2):c.149C>T (p.Thr50Met)

Genes: CARS2 (cysteinyl-tRNA synthetase 2, mitochondrial; minus strand), LOC130010127 (ATAC-STARR-seq lymphoblastoid silent region 5509; plus strand). Cytogenetic location: 13q34.
Variant type: single nucleotide variant.
Coding change: c.149C>T on transcript NM_024537.4 (MANE Select); coding-DNA position 149, C replaced by T.
Protein change: p.Thr50Met; replaces threonine 50 with methionine.
Molecular consequence: missense variant. On other transcripts: non-coding transcript variant (1), intron variant (1).
Genome position (GRCh38, 1-based): chr13:110,705,945, G>A on the plus strand (C>T on the coding strand, the complement: CARS2 is on the minus strand). VCF-style: chr13-110705945-G-A. GRCh37 (hg19) VCF-style: chr13-111358292-G-A.
Other names: c.149C>T, p.Thr50Met (NM_001352253.3); c.-775-374C>T (NM_001352252.2); short protein forms T50M.
Identifiers: ClinVar variation 1009930 (VCV001009930.6), dbSNP rs756212584, ClinGen allele CA7052396.

ClinVar aggregate classification (germline): Uncertain significance (1 of 4 stars; one submission).

Conditions:
Combined oxidative phosphorylation defect type 27. Also called: Combined oxidative phosphorylation deficiency 27. Identifiers: Orphanet 477774, MedGen C5567608, MONDO:0014728, OMIM 616672.

Allele frequency attached by ClinVar (database versions not stated): gnomAD exomes 0.00001; ExAC 0.00009.

Submission:

Labcorp Genetics (formerly Invitae), Labcorp
Classification: Uncertain significance for Combined oxidative phosphorylation defect type 27. Last evaluated: 2021-08-20. Review status: criteria provided, single submitter. Criteria: Invitae Variant Classification Sherloc (09022015). Collection method: clinical testing. Allele origin: germline.
Comment: This sequence change replaces threonine with methionine at codon 50 of the CARS2 protein (p.Thr50Met). The threonine residue is moderately conserved and there is a moderate physicochemical difference between threonine and methionine. This variant is present in population databases (rs756212584, ExAC 0.02%). This variant has not been reported in the literature in individuals affected with CARS2-related conditions. Algorithms developed to predict the effect of missense changes on protein structure and function are either unavailable or do not agree on the potential impact of this missense change (SIFT: "Deleterious"; PolyPhen-2: "Probably Damaging"; Align-GVGD: "Class C0"). In summary, the available evidence is currently insufficient to determine the role of this variant in disease. Therefore, it has been classified as a Variant of Uncertain Significance.